The following is an entry in ClinVar:

NM_014141.6(CNTNAP2):c.1173C>G (p.Asn391Lys)

Gene: CNTNAP2 (contactin associated protein 2; plus strand). Cytogenetic location: 7q35.
Variant type: single nucleotide variant.
Coding change: c.1173C>G on transcript NM_014141.6 (MANE Select); coding-DNA position 1173, C replaced by G.
Protein change: p.Asn391Lys; replaces asparagine 391 with lysine.
Molecular consequence: missense variant.
Genome position (GRCh38, 1-based): chr7:147,132,334, C>G. VCF-style: chr7-147132334-C-G. GRCh37 (hg19) VCF-style: chr7-146829426-C-G.
Other names: p.N391K:AAC>AAG; short protein forms N391K.
Identifiers: ClinVar variation 205234 (VCV000205234.7), dbSNP rs796052370, ClinGen allele CA314102.

ClinVar aggregate classification (germline): Uncertain significance. Review status: criteria provided, multiple submitters, no conflicts (2 of 4 stars). 2 submissions from 2 submitters: Uncertain significance (2). Last evaluated 2016-03-04.

Allele frequency attached by ClinVar (database versions not stated): gnomAD exomes below 0.00001; TOPMed 0.00001; gnomAD 0.00002.
gnomAD v4.1: 5 of 1,613,616 alleles (0.00031%); highest among the groups gnomAD compares: Non-Finnish European, 0.00042%; no homozygotes.

Submissions (2):

Genetic Services Laboratory, University of Chicago
Classification: Uncertain significance. Last evaluated: 2016-03-04. Review status: criteria provided, single submitter. Criteria: ACMG Guidelines, 2015. Collection method: clinical testing. Allele origin: germline. Affected: no.

GeneDx
Classification: Uncertain significance. Last evaluated: 2014-10-15. Review status: criteria provided, single submitter. Criteria: GeneDx Variant Classification (06012015). Collection method: clinical testing. Allele origin: germline. Affected: yes.
Comment: p.Asn391Lys (AAC>AAG): c.1173 C>G in exon 8 of the CNTNAP2 gene (NM_014141.5). The N391K variant has not been published as a mutation, nor has it been reported as a benign polymorphism to our knowledge. It was not observed in approximately 6,500 individuals of European and African American ancestry in the NHLBI Exome Sequencing Project, indicating it is not a common benign variant in these populations. The N391K variant is a semi-conservative amino acid substitution, which may impact secondary protein structure as these residues differ in some properties. However, this substitution occurs at a position that is not conserved across species, and in silico analysis predicts this variant likely does not alter the protein structure/function. Therefore, based on the currently available information, it is unclear whether this variant is a pathogenic mutation or a rare benign variant. The variant is found in EPILEPSY panel(s).